The following is an entry in ClinVar:

ClinVar aggregate classification (germline): Uncertain significance (1 of 4 stars; one submission).

Submission:

Labcorp Genetics (formerly Invitae), Labcorp
Classification: Uncertain significance. Last evaluated: 2022-02-06. Review status: criteria provided, single submitter. Criteria: Invitae Variant Classification Sherloc (09022015). Collection method: clinical testing. Allele origin: germline.
Comment: In summary, the available evidence is currently insufficient to determine the role of this variant in disease. Therefore, it has been classified as a Variant of Uncertain Significance. Algorithms developed to predict the effect of missense changes on protein structure and function output the following: SIFT: "Tolerated"; PolyPhen-2: "Benign"; Align-GVGD: "Class C0". The serine amino acid residue is found in multiple mammalian species, which suggests that this missense change does not adversely affect protein function. This variant has not been reported in the literature in individuals affected with SETBP1-related conditions. This variant is present in population databases (no rsID available, gnomAD 0.007%). This sequence change replaces proline, which is neutral and non-polar, with serine, which is neutral and polar, at codon 1548 of the SETBP1 protein (p.Pro1548Ser).

NM_015559.3(SETBP1):c.4642C>T (p.Pro1548Ser)

Gene: SETBP1 (SET binding protein 1; plus strand). Cytogenetic location: 18q12.3.
Variant type: single nucleotide variant.
Coding change: c.4642C>T on transcript NM_015559.3 (MANE Select); coding-DNA position 4642, C replaced by T.
Protein change: p.Pro1548Ser; replaces proline 1548 with serine.
Molecular consequence: missense variant.
Genome position (GRCh38, 1-based): chr18:45,063,549, C>T. VCF-style: chr18-45063549-C-T. GRCh37 (hg19) VCF-style: chr18-42643514-C-T.
Other names: c.4642C>T, p.Pro1548Ser (NM_001379141.1, NM_001379142.1); c.4471C>T, p.Pro1491Ser (NM_001410862.1); short protein forms P1491S, P1548S.
Identifiers: ClinVar variation 2199570 (VCV002199570.4), dbSNP rs1274960889, ClinGen allele CA402483837.